The following is an entry in ClinVar:

NM_004370.6(COL12A1):c.8783A>G (p.Asn2928Ser)

Gene: COL12A1 (collagen type XII alpha 1 chain; minus strand). Cytogenetic location: 6q13.
Variant type: single nucleotide variant.
Coding change: c.8783A>G on transcript NM_004370.6 (MANE Select); coding-DNA position 8783, A replaced by G.
Protein change: p.Asn2928Ser; replaces asparagine 2928 with serine.
Molecular consequence: missense variant.
Genome position (GRCh38, 1-based): chr6:75,090,268, T>C on the plus strand (A>G on the coding strand, the complement: COL12A1 is on the minus strand). VCF-style: chr6-75090268-T-C. GRCh37 (hg19) VCF-style: chr6-75799984-T-C.
Other names: c.5291A>G, p.Asn1764Ser (NM_080645.3); short protein forms N1764S, N2928S.
Identifiers: ClinVar variation 1971640 (VCV001971640.6), dbSNP rs958659737, ClinGen allele CA141000617.

ClinVar aggregate classification (germline): Uncertain significance. Review status: criteria provided, multiple submitters, no conflicts (2 of 4 stars). 2 submissions from 2 submitters: Uncertain significance (2). Last evaluated 2025-01-21.

Conditions:
Inborn genetic diseases. Identifiers: MedGen C0950123, MeSH D030342.
Ullrich congenital muscular dystrophy 2 (UCMD2). Identifiers: Orphanet 75840, MedGen C4225314, MONDO:0014654, OMIM 616470.
Bethlem myopathy 2 (BTHLM2). Identifiers: Orphanet 536516, Orphanet 610, MedGen C4225313, MONDO:0034022, OMIM 616471.

Allele frequency attached by ClinVar (database versions not stated): gnomAD exomes below 0.00001.
gnomAD v4.1: 2 of 1,613,088 alleles (0.00012%); highest among the groups gnomAD compares: Non-Finnish European, 0.00017%; no homozygotes.

Submissions (2):

Labcorp Genetics (formerly Invitae), Labcorp
Classification: Uncertain significance for Bethlem myopathy 2; Ullrich congenital muscular dystrophy 2. Last evaluated: 2025-01-21. Review status: criteria provided, single submitter. Criteria: Invitae Variant Classification Sherloc (09022015). Collection method: clinical testing. Allele origin: germline.
Comment: This sequence change replaces asparagine, which is neutral and polar, with serine, which is neutral and polar, at codon 2928 of the COL12A1 protein (p.Asn2928Ser). This variant is not present in population databases (gnomAD no frequency). This variant has not been reported in the literature in individuals affected with COL12A1-related conditions. ClinVar contains an entry for this variant (Variation ID: 1971640). An algorithm developed to predict the effect of missense changes on protein structure and function (PolyPhen-2) suggests that this variant is likely to be disruptive. In summary, the available evidence is currently insufficient to determine the role of this variant in disease. Therefore, it has been classified as a Variant of Uncertain Significance.

Ambry Genetics
Classification: Uncertain significance for Inborn genetic diseases. Last evaluated: 2022-05-01. Review status: criteria provided, single submitter. Criteria: Ambry Variant Classification Scheme 2023. Collection method: clinical testing. Allele origin: germline.